The following is an entry in ClinVar:

ClinVar aggregate classification (germline): Uncertain significance (1 of 4 stars; one submission).

Submission:

GeneDx
Classification: Uncertain significance. Last evaluated: 2022-12-16. Review status: criteria provided, single submitter. Criteria: GeneDx Variant Classification Process June 2021. Collection method: clinical testing. Allele origin: germline. Affected: yes.
Comment: Not observed at significant frequency in large population cohorts (gnomAD); Has not been previously published as pathogenic or benign to our knowledge; In silico analysis is inconclusive as to whether the variant alters gene splicing. In the absence of RNA/functional studies, the actual effect of this sequence change is unknown.

NM_031448.6(C19orf12):c.-10-12_-10-10del

Gene: C19orf12 (chromosome 19 open reading frame 12; minus strand). Cytogenetic location: 19q12.
Variant type: Deletion.
Coding change: c.-10-12_-10-10del on transcript NM_031448.6 (MANE Select); 12 bases into the intron before 10 bases upstream of the start codon through 10 bases into the intron before 10 bases upstream of the start codon, 3 bases deleted (TCT; older notation c.-10-12_-10-10delTCT).
Molecular consequence: intron variant.
Genome position (GRCh38, 1-based): chr19:29,708,433-29,708,435, AGA deleted on the plus strand (TCT on the coding strand, the reverse complement: C19orf12 is on the minus strand); deleting any 3 consecutive bases within chr19:29,708,433-29,708,437 gives the same sequence; the c. name uses the placement nearest the transcript's 3' end. VCF-style (leftmost placement, unchanged base first): chr19-29708432-GAGA-G. GRCh37 (hg19) VCF-style: chr19-30199339-GAGA-G.
Other names: c.-32-5458_-32-5456del (NM_001282929.1, NM_001282930.3); c.-10-12_-10-10del (NM_001256047.2, NM_001256046.3, NM_001031726.4); c.-323-12_-323-10del (NM_001282931.3).
Identifiers: ClinVar variation 2505680 (VCV002505680.1), dbSNP rs756568435, ClinGen allele CA9352008.